The following is an entry in ClinVar:

NM_000978.4(RPL23):c.340+6A>C

Gene: RPL23 (ribosomal protein L23; minus strand). Cytogenetic location: 17q12.
Variant type: single nucleotide variant.
Coding change: c.340+6A>C on transcript NM_000978.4 (MANE Select); 6 bases into the intron after coding-DNA position 340, A replaced by C.
Molecular consequence: intron variant.
Genome position (GRCh38, 1-based): chr17:38,850,356, T>G on the plus strand (A>C on the coding strand, the complement: RPL23 is on the minus strand). VCF-style: chr17-38850356-T-G. GRCh37 (hg19) VCF-style: chr17-37006609-T-G.
Identifiers: ClinVar variation 3715803 (VCV003715803.2).

ClinVar aggregate classification (germline): Uncertain significance (1 of 4 stars; one submission).

gnomAD v4.1: 19 of 1,610,206 alleles (0.0012%); highest among the groups gnomAD compares: East Asian, 0.0022%; no homozygotes.

Submission:

Labcorp Genetics (formerly Invitae), Labcorp
Classification: Uncertain significance. Last evaluated: 2025-03-26. Review status: criteria provided, single submitter. Criteria: Invitae Variant Classification Sherloc (09022015). Collection method: clinical testing. Allele origin: germline.
Comment: This sequence change falls in intron 4 of the RPL23 gene. It does not directly change the encoded amino acid sequence of the RPL23 protein. It affects a nucleotide within the consensus splice site. The frequency data for this variant in the population databases is considered unreliable, as metrics indicate poor data quality at this position in the gnomAD database. This variant has not been reported in the literature in individuals affected with RPL23-related conditions. Variants that disrupt the consensus splice site are a relatively common cause of aberrant splicing (PMID: 17576681, 9536098). Algorithms developed to predict the effect of sequence changes on RNA splicing suggest that this variant is not likely to affect RNA splicing. In summary, the available evidence is currently insufficient to determine the role of this variant in disease. Therefore, it has been classified as a Variant of Uncertain Significance.

Literature cited by the submitters: PubMed 17576681; PubMed 9536098.